The following is an entry in ClinVar:

ClinVar aggregate classification (germline): Likely benign. Review status: criteria provided, multiple submitters, no conflicts (2 of 4 stars). 2 submissions from 2 submitters: Likely benign (2). Last evaluated 2026-01-11.

Conditions:
Hypertrophic cardiomyopathy 14. Identifiers: MedGen C2750467, MONDO:0013197, OMIM 613251.

Allele frequency attached by ClinVar (database versions not stated): gnomAD exomes 0.00001; TOPMed 0.00001; gnomAD 0.00002.
gnomAD v4.1: 15 of 1,607,604 alleles (0.00093%); highest among the groups gnomAD compares: Admixed American, 0.02%; no homozygotes.

Submissions (2):

Labcorp Genetics (formerly Invitae), Labcorp
Classification: Likely benign for Hypertrophic cardiomyopathy 14. Last evaluated: 2026-01-11. Review status: criteria provided, single submitter. Criteria: Invitae Variant Classification Sherloc (09022015). Collection method: clinical testing. Allele origin: germline.

GeneDx
Classification: Likely benign. Last evaluated: 2018-02-23. Review status: criteria provided, single submitter. Criteria: GeneDx Variant Classification (06012015). Collection method: clinical testing. Allele origin: germline. Affected: yes.
Comment: This variant is considered likely benign or benign based on one or more of the following criteria: it is a conservative change, it occurs at a poorly conserved position in the protein, it is predicted to be benign by multiple in silico algorithms, and/or has population frequency not consistent with disease.

NM_002471.4(MYH6):c.3420C>T (p.Asp1140=)

Gene: MYH6 (myosin heavy chain 6; minus strand). Cytogenetic location: 14q11.2.
Variant type: single nucleotide variant.
Coding change: c.3420C>T on transcript NM_002471.4 (MANE Select); coding-DNA position 3420, C replaced by T.
Protein change: p.Asp1140=; no amino-acid change (aspartic acid 1140 retained).
Molecular consequence: synonymous variant.
Genome position (GRCh38, 1-based): chr14:23,390,369, G>A on the plus strand (C>T on the coding strand, the complement: MYH6 is on the minus strand). VCF-style: chr14-23390369-G-A. GRCh37 (hg19) VCF-style: chr14-23859578-G-A.
Identifiers: ClinVar variation 390840 (VCV000390840.11), dbSNP rs1057523901, ClinGen allele CA16606803.